The following is an entry in ClinVar:

NM_006421.5(ARFGEF1):c.4426G>A (p.Val1476Ile)

Gene: ARFGEF1 (ARF guanine nucleotide exchange factor 1; minus strand). Cytogenetic location: 8q13.2.
Variant type: single nucleotide variant.
Coding change: c.4426G>A on transcript NM_006421.5 (MANE Select); coding-DNA position 4426, G replaced by A.
Protein change: p.Val1476Ile; replaces valine 1476 with isoleucine.
Molecular consequence: missense variant. On other transcripts: non-coding transcript variant (1).
Genome position (GRCh38, 1-based): chr8:67,218,051, C>T on the plus strand (G>A on the coding strand, the complement: ARFGEF1 is on the minus strand). VCF-style: chr8-67218051-C-T. GRCh37 (hg19) VCF-style: chr8-68130286-C-T.
Other names: c.4426G>A, p.Val1476Ile (NM_001413184.1, NM_001413185.1, NM_001413186.1 and 5 more transcripts); c.3826G>A, p.Val1276Ile (NM_001413188.1, NM_001413193.1, NM_001413197.1); c.4420G>A, p.Val1474Ile (NM_001413190.1); c.3001G>A, p.Val1001Ile (NM_001413196.1); short protein forms V1001I, V1276I, V1474I, V1476I.
Identifiers: ClinVar variation 3391207 (VCV003391207.1).

ClinVar aggregate classification (germline): Uncertain significance (1 of 4 stars; one submission).

Conditions:
Developmental delay, impaired speech, and behavioral abnormalities, with or without seizures (DEDISB). Identifiers: MedGen C5575272, MONDO:0859263, OMIM 619964.

gnomAD v4.1: 3 of 1,612,078 alleles (0.00019%); highest among the groups gnomAD compares: Admixed American, 0.0017%; no homozygotes.

Submission:

Neuberg Centre For Genomic Medicine, NCGM
Classification: Uncertain significance for Developmental delay, impaired speech, and behavioral abnormalities, with or without seizures. Review status: criteria provided, single submitter. Criteria: ACMG Guidelines, 2015. Collection method: clinical testing. Allele origin: germline. Inheritance: Autosomal dominant inheritance. Affected: yes.
Comment: The observed missense variant c.4426G>Ap.Val1476Ile in ARFGEF1 gene has not been reported previously as a pathogenic variant nor as a benign variant, to our knowledge. The p.Val1476Ile variant is reported with 0.0004% allele frequency in gnomAD Exomes. The amino acid Val at position 1476 is changed to a Ile changing protein sequence and it might alter its composition and physicochemical properties. Computational evidence Polyphen-Benign, SIFT-Tolerated and Mutation Taster-disease causing predicts conflicting evidence on protein structure and function for this variant. The reference amino acid p.Val1476Ile in ARFGEF1 is predicted as conserved by GERP++ and PhyloP across 100 vertebrates. For these reasons, this variant has been classified as Uncertain Significance.